The following is an entry in ClinVar:

ClinVar aggregate classification (germline): Uncertain significance (1 of 4 stars; one submission).

Conditions:
Niemann-Pick disease, type C1. Also called: NEUROVISCERAL STORAGE DISEASE WITH VERTICAL SUPRANUCLEAR OPHTHALMOPLEGIA; NIEMANN-PICK DISEASE WITH CHOLESTEROL ESTERIFICATION BLOCK; NIEMANN-PICK DISEASE WITHOUT SPHINGOMYELINASE DEFICIENCY; NIEMANN-PICK DISEASE, CHRONIC NEURONOPATHIC FORM; NIEMANN-PICK DISEASE, VARIANT TYPE C1. Identifiers: Orphanet 646, MedGen C3179455, MONDO:0009757, OMIM 257220.

Submission:

Labcorp Genetics (formerly Invitae), Labcorp
Classification: Uncertain significance for Niemann-Pick disease, type C1. Last evaluated: 2022-04-24. Review status: criteria provided, single submitter. Criteria: Invitae Variant Classification Sherloc (09022015). Collection method: clinical testing. Allele origin: germline.
Comment: This sequence change replaces aspartic acid, which is acidic and polar, with tyrosine, which is neutral and polar, at codon 552 of the NPC1 protein (p.Asp552Tyr). This variant also falls at the last nucleotide of exon 10, which is part of the consensus splice site for this exon. This variant is not present in population databases (gnomAD no frequency). This variant has not been reported in the literature in individuals affected with NPC1-related conditions. Algorithms developed to predict the effect of missense changes on protein structure and function are either unavailable or do not agree on the potential impact of this missense change (SIFT: "Deleterious"; PolyPhen-2: "Possibly Damaging"; Align-GVGD: "Class C15"). Variants that disrupt the consensus splice site are a relatively common cause of aberrant splicing (PMID: 17576681, 9536098). Algorithms developed to predict the effect of sequence changes on RNA splicing suggest that this variant may disrupt the consensus splice site. In summary, the available evidence is currently insufficient to determine the role of this variant in disease. Therefore, it has been classified as a Variant of Uncertain Significance.

Literature cited by the submitters: PubMed 17576681; PubMed 9536098.

NM_000271.5(NPC1):c.1654G>T (p.Asp552Tyr)

Gene: NPC1 (NPC intracellular cholesterol transporter 1; minus strand). Cytogenetic location: 18q11.2.
Variant type: single nucleotide variant.
Coding change: c.1654G>T on transcript NM_000271.5 (MANE Select); coding-DNA position 1654, G replaced by T.
Protein change: p.Asp552Tyr; replaces aspartic acid 552 with tyrosine.
Molecular consequence: missense variant.
Genome position (GRCh38, 1-based): chr18:23,551,627, C>A on the plus strand (G>T on the coding strand, the complement: NPC1 is on the minus strand). VCF-style: chr18-23551627-C-A. GRCh37 (hg19) VCF-style: chr18-21131591-C-A.
Other names: short protein forms D552Y.
Identifiers: ClinVar variation 1363972 (VCV001363972.5), dbSNP rs2145433031, ClinGen allele CA401774710.